The following is an entry in ClinVar:

NM_000384.3(APOB):c.12640G>A (p.Glu4214Lys)

Gene: APOB (apolipoprotein B; minus strand). Cytogenetic location: 2p24.1.
Variant type: single nucleotide variant.
Coding change: c.12640G>A on transcript NM_000384.3 (MANE Select); coding-DNA position 12640, G replaced by A.
Protein change: p.Glu4214Lys; replaces glutamic acid 4214 with lysine.
Molecular consequence: missense variant.
Genome position (GRCh38, 1-based): chr2:21,002,782, C>T on the plus strand (G>A on the coding strand, the complement: APOB is on the minus strand). VCF-style: chr2-21002782-C-T. GRCh37 (hg19) VCF-style: chr2-21225654-C-T.
Other names: short protein forms E4214K.
Identifiers: ClinVar variation 4613704 (VCV004613704.2).
Genomic context (GRCh38, chr2:21,002,782, plus strand): 5'-TCGAATATACCTGGGACAGTACCGTCCCTACCTCCCTTATGAACATAGTGCAAAGTTCCT[C>T]CCTAGTGTATATCCCAGGTTTCCCCGGAAACTGGAATCTGGGGAAGTTCAGAAAATCAAT-3'
Protein context (NP_000375.3, residues 4204-4224): FPGKPGIYTR[Glu4214Lys]ELCTMFIREV

ClinVar aggregate classification (germline): Uncertain significance (1 of 4 stars; one submission).

Conditions:
Cardiovascular phenotype. Identifiers: MedGen CN230736.

gnomAD v4.1: 3 of 1,608,956 alleles (0.00019%); highest among the groups gnomAD compares: Admixed American, 0.0033%; no homozygotes.

Submission:

Ambry Genetics
Classification: Uncertain significance for Cardiovascular phenotype. Last evaluated: 2026-09-11. Review status: criteria provided, single submitter. Criteria: Ambry Variant Classification Scheme 2023. Collection method: clinical testing. Allele origin: germline.
Comment: The p.E4214K variant (also known as c.12640G>A), located in coding exon 29 of the APOB gene, results from a G to A substitution at nucleotide position 12640. The glutamic acid at codon 4214 is replaced by lysine, an amino acid with similar properties. This amino acid position is conserved. In addition, this alteration is predicted to be tolerated by in silico analysis. Based on the available evidence, the clinical significance of this variant remains unclear.